The following is an entry in ClinVar:

NM_201548.5(CERKL):c.239-2A>G

Gene: CERKL (CERK like autophagy regulator; minus strand). Cytogenetic location: 2q31.3.
Variant type: single nucleotide variant.
Coding change: c.239-2A>G on transcript NM_201548.5 (MANE Select); the canonical splice acceptor site of the intron before coding-DNA position 239, A replaced by G.
Molecular consequence: splice acceptor variant.
Genome position (GRCh38, 1-based): chr2:181,604,081, T>C on the plus strand (A>G on the coding strand, the complement: CERKL is on the minus strand). VCF-style: chr2-181604081-T-C. GRCh37 (hg19) VCF-style: chr2-182468808-T-C.
Other names: c.239-2A>G (NM_001030312.3, NM_001160277.2, NM_001030313.3 and 1 more transcripts).
Identifiers: ClinVar variation 522512 (VCV000522512.17), dbSNP rs776886395, ClinGen allele CA2010884.

ClinVar aggregate classification (germline): Pathogenic/Likely pathogenic. Review status: criteria provided, multiple submitters, no conflicts (2 of 4 stars). 5 submissions from 5 submitters: Pathogenic (3); Likely pathogenic (1). 1 of the submissions does not count toward it. Last evaluated 2025-11-06.

Conditions:
CERKL-related disorders.
Retinitis pigmentosa 26 (RP26). Identifiers: Orphanet 791, MedGen C1842127, MONDO:0012024, OMIM 608380.

Allele frequency attached by ClinVar (database versions not stated): gnomAD exomes below 0.00001 and 0.00001; gnomAD 0.00001; TOPMed 0.00001; ExAC 0.00002.
gnomAD v4.1: 3 of 1,587,508 alleles (0.00019%); highest among the groups gnomAD compares: East Asian, 0.0045%; no homozygotes.

Submissions (5):

Natera, Inc.
Classification: Pathogenic for Retinitis Pigmentosa 26. Last evaluated: 2025-11-06. Review status: criteria provided, single submitter. Criteria: Natera Variant Classification Schema (03/2026). Collection method: clinical testing. Allele origin: germline.
Comment: The c.239-2A>G variant in CERKL is a canonical splice acceptor site variant predicted to affect pre-mRNA splicing, which may result in an abnormal transcript and altered protein product. This variant is expected to result in nonsense mediated decay, truncation, or a dysfunctional protein product. This variant is rare in the general population with a frequency below the threshold expected for the associated phenotype(s). This variant has been observed in one or more individuals affected with the associated recessive disease, as either homozygous or compound heterozygous with a second variant (PMID: 36729443, 33090715). Given the available evidence, this variant is classified as Pathogenic.

Labcorp Genetics (formerly Invitae), Labcorp
Classification: Pathogenic. Last evaluated: 2023-12-22. Review status: criteria provided, single submitter. Criteria: Invitae Variant Classification Sherloc (09022015). Collection method: clinical testing. Allele origin: germline.
Comment: This sequence change affects an acceptor splice site in intron 1 of the CERKL gene. It is expected to disrupt RNA splicing. Variants that disrupt the donor or acceptor splice site typically lead to a loss of protein function (PMID: 16199547), and loss-of-function variants in CERKL are known to be pathogenic (PMID: 14681825, 23591405, 24043777). This variant is present in population databases (rs776886395, gnomAD 0.01%). Disruption of this splice site has been observed in individuals with inherited retinal dystrophy (PMID: 31054281, 33090715; Invitae). ClinVar contains an entry for this variant (Variation ID: 522512). Algorithms developed to predict the effect of sequence changes on RNA splicing suggest that this variant may disrupt the consensus splice site. For these reasons, this variant has been classified as Pathogenic.

Blueprint Genetics
Classification: Likely pathogenic for CERKL-related disorders. Last evaluated: 2020-03-27. Review status: criteria provided, single submitter. Criteria: ACMG Guidelines, 2015. Collection method: clinical testing. Allele origin: germline. Affected: yes. Observed: 1 variant allele.

Department of Medical Genetics, College of Basic Medicine, Army Medical University
Classification: Pathogenic for Retinitis pigmentosa 26. Review status: criteria provided, single submitter. Criteria: ACMG Guidelines, 2015. Collection method: clinical testing. Allele origin: paternal. Inheritance: Autosomal recessive inheritance. Affected: yes.

Bioscientia Institut fuer Medizinische Diagnostik GmbH, Sonic Healthcare
Classification: Pathogenic for Retinitis pigmentosa 26. Last evaluated: 2017-10-11. Review status: no assertion criteria provided. Collection method: clinical testing. Allele origin: germline. Affected: yes. Not counted in ClinVar's aggregate classification.

Literature cited by the submitters: PubMed 36729443 (cited by Natera, Inc.); PubMed 33090715 (cited by Natera, Inc. and Labcorp Genetics (formerly Invitae), Labcorp); PubMed 16199547 (cited by Labcorp Genetics (formerly Invitae), Labcorp); PubMed 14681825 (cited by Labcorp Genetics (formerly Invitae), Labcorp); PubMed 23591405 (cited by Labcorp Genetics (formerly Invitae), Labcorp); PubMed 24043777 (cited by Labcorp Genetics (formerly Invitae), Labcorp); PubMed 31054281 (cited by Labcorp Genetics (formerly Invitae), Labcorp).